The following is an entry in ClinVar:

NM_000051.4(ATM):c.4664del (p.Leu1555fs)

Gene: ATM (ATM serine/threonine kinase; plus strand). Cytogenetic location: 11q22.3.
Variant type: Deletion.
Coding change: c.4664del on transcript NM_000051.4 (MANE Select); coding-DNA position 4664, one base deleted (T; older notation c.4664delT).
Protein change: p.Leu1555fs; shifts the reading frame from leucine 1555.
Molecular consequence: frameshift variant.
Genome position (GRCh38, 1-based): chr11:108,293,365, T deleted. VCF-style (leftmost placement, unchanged base first): chr11-108293364-CT-C. GRCh37 (hg19) VCF-style: chr11-108164091-CT-C.
Other names: c.4664delT (NM_000051.3); c.4664del, p.Leu1555fs (NM_001351834.2); short protein forms L1555fs.
Identifiers: ClinVar variation 231231 (VCV000231231.18), dbSNP rs876659039, ClinGen allele CA10579161.

ClinVar aggregate classification (germline): Pathogenic. Review status: criteria provided, multiple submitters, no conflicts (2 of 4 stars). 5 submissions from 5 submitters: Pathogenic (4). 1 of the submissions does not count toward it. Last evaluated 2025-11-10.

Conditions:
Ataxia-telangiectasia syndrome (AT). Also called: Ataxia telangiectasia (A-T); Ataxia-telangiectasia, complementation group E; LOUIS-BAR SYNDROME; Cerebello-oculocutaneous telangiectasia; Immunodeficiency with ataxia telangiectasia; Ataxia-telangiectasia, complementation group D. Identifiers: Orphanet 100, MedGen C0004135, MONDO:0008840, OMIM 208900.
Hereditary cancer-predisposing syndrome. Also called: Hereditary Cancer Syndrome; Neoplastic Syndromes, Hereditary; Tumor predisposition; Hereditary neoplastic syndrome. Identifiers: Orphanet 140162, MedGen C0027672, MeSH D009386, MONDO:0015356.
Familial cancer of breast. Also called: Hereditary breast cancer; hereditary breast carcinoma; BREAST CANCER, FAMILIAL. Identifiers: Orphanet 227535, MedGen C0346153, MONDO:0016419, OMIM 114480. Disease mechanism: loss of function.

Submissions (5):

Labcorp Genetics (formerly Invitae), Labcorp
Classification: Pathogenic for Ataxia-telangiectasia syndrome. Last evaluated: 2025-11-10. Review status: criteria provided, single submitter. Criteria: Invitae Variant Classification Sherloc (09022015). Collection method: clinical testing. Allele origin: germline.
Comment: This sequence change creates a premature translational stop signal (p.Leu1555Profs*8) in the ATM gene. It is expected to result in an absent or disrupted protein product. Loss-of-function variants in ATM are known to be pathogenic (PMID: 23807571, 25614872). This variant is not present in population databases (gnomAD no frequency). This variant has not been reported in the literature in individuals affected with ATM-related conditions. ClinVar contains an entry for this variant (Variation ID: 231231). Algorithms developed to predict the effect of sequence changes on RNA splicing suggest that this variant may disrupt the consensus splice site. For these reasons, this variant has been classified as Pathogenic.

Ambry Genetics
Classification: Pathogenic for Hereditary cancer-predisposing syndrome. Last evaluated: 2025-06-04. Review status: criteria provided, single submitter. Criteria: Ambry Variant Classification Scheme 2023. Collection method: clinical testing. Allele origin: germline.
Comment: The c.4664delT pathogenic mutation, located in coding exon 30 of the ATM gene, results from a deletion of one nucleotide at nucleotide position 4664, causing a translational frameshift with a predicted alternate stop codon (p.L1555Pfs*8). This variant is considered to be rare based on population cohorts in the Genome Aggregation Database (gnomAD). This alteration is expected to result in loss of function by premature protein truncation or nonsense-mediated mRNA decay. As such, this alteration is interpreted as a disease-causing mutation.

Myriad Genetics, Inc.
Classification: Pathogenic for Familial cancer of breast. Last evaluated: 2024-01-24. Review status: criteria provided, single submitter. Criteria: Myriad Autosomal Dominant, Autosomal Recessive and X-Linked Classification Criteria (2023). Collection method: clinical testing. Allele origin: unknown.
Comment: This variant is considered pathogenic. This variant creates a frameshift predicted to result in premature protein truncation.

Color Diagnostics, LLC DBA Color Health
Classification: Pathogenic for Hereditary cancer-predisposing syndrome. Last evaluated: 2020-01-15. Review status: criteria provided, single submitter. Criteria: ACMG Guidelines, 2015. Collection method: clinical testing. Allele origin: germline.
Comment: This variant deletes 1 nucleotide in exon 31 of the ATM gene, creating a frameshift and premature translation stop signal. This variant is expected to result in an absent or non-functional protein product. This variant has not been identified in the general population by the Genome Aggregation Database (gnomAD). Loss of ATM function is a known mechanism of disease. Based on the available evidence, this variant is classified as Pathogenic.

Counsyl
Classification: Likely pathogenic for Ataxia-telangiectasia syndrome. Last evaluated: 2017-06-26. Review status: no assertion criteria provided. Collection method: clinical testing. Allele origin: unknown. Not counted in ClinVar's aggregate classification.

Literature cited by the submitters: PubMed 23807571 (cited by Labcorp Genetics (formerly Invitae), Labcorp); PubMed 25614872 (cited by Labcorp Genetics (formerly Invitae), Labcorp).